The following is an entry in ClinVar:

NM_025114.4(CEP290):c.2546A>T (p.Asp849Val)

Gene: CEP290 (centrosomal protein 290; minus strand). Cytogenetic location: 12q21.32.
Variant type: single nucleotide variant.
Coding change: c.2546A>T on transcript NM_025114.4 (MANE Select); coding-DNA position 2546, A replaced by T.
Protein change: p.Asp849Val; replaces aspartic acid 849 with valine.
Molecular consequence: missense variant.
Genome position (GRCh38, 1-based): chr12:88,107,036, T>A on the plus strand (A>T on the coding strand, the complement: CEP290 is on the minus strand). VCF-style: chr12-88107036-T-A. GRCh37 (hg19) VCF-style: chr12-88500813-T-A.
Other names: short protein forms D849V.
Identifiers: ClinVar variation 645147 (VCV000645147.8), dbSNP rs1313832672, ClinGen allele CA385971834.

ClinVar aggregate classification (germline): Uncertain significance. Review status: criteria provided, multiple submitters, no conflicts (2 of 4 stars). 3 submissions from 3 submitters: Uncertain significance (2). 1 of the submissions does not count toward it. Last evaluated 2024-03-20.

Conditions:
Inborn genetic diseases. Identifiers: MedGen C0950123, MeSH D030342.
Meckel-Gruber syndrome. Also called: Dysencephalia splachnocystica; DYSENCEPHALIA SPLANCHNOCYSTICA; GRUBER SYNDROME. Identifiers: Orphanet 564, MedGen C0265215, MONDO:0018921.
Nephronophthisis. Also called: Juvenile Nephronophthisis. Identifiers: Orphanet 655, MedGen C0687120, MONDO:0019005, HP:0000090.
Joubert syndrome. Also called: Familial aplasia of the vermis; CEREBELLOPARENCHYMAL DISORDER IV; JOUBERT-BOLTSHAUSER SYNDROME. Identifiers: Orphanet 475, MedGen C5979921, MONDO:0018772.
Leber congenital amaurosis (LCA). Also called: Leber's amaurosis. Identifiers: Orphanet 65, MedGen C0339527, MeSH D057130, MONDO:0018998.

Allele frequency attached by ClinVar (database versions not stated): gnomAD exomes below 0.00001; gnomAD 0.00001.
gnomAD v4.1: 4 of 1,555,010 alleles (0.00026%); highest among the groups gnomAD compares: East Asian, 0.0093%; no homozygotes.

Submissions (3):

Ambry Genetics
Classification: Uncertain significance for Inborn genetic diseases. Last evaluated: 2024-03-20. Review status: criteria provided, single submitter. Criteria: Ambry Variant Classification Scheme 2023. Collection method: clinical testing. Allele origin: germline.

Labcorp Genetics (formerly Invitae), Labcorp
Classification: Uncertain significance for Joubert syndrome; Meckel-Gruber syndrome; Nephronophthisis. Last evaluated: 2021-08-28. Review status: criteria provided, single submitter. Criteria: Invitae Variant Classification Sherloc (09022015). Collection method: clinical testing. Allele origin: germline.
Comment: This sequence change replaces aspartic acid with valine at codon 849 of the CEP290 protein (p.Asp849Val). The aspartic acid residue is moderately conserved and there is a large physicochemical difference between aspartic acid and valine. This variant is not present in population databases (ExAC no frequency). This variant has not been reported in the literature in individuals affected with CEP290-related conditions. ClinVar contains an entry for this variant (Variation ID: 645147). Algorithms developed to predict the effect of missense changes on protein structure and function are either unavailable or do not agree on the potential impact of this missense change (SIFT: "Deleterious"; PolyPhen-2: "Benign"; Align-GVGD: "Class C0"). In summary, the available evidence is currently insufficient to determine the role of this variant in disease. Therefore, it has been classified as a Variant of Uncertain Significance.

Natera, Inc.
Classification: Uncertain significance for Leber congenital amaurosis. Last evaluated: 2020-01-24. Review status: no assertion criteria provided. Collection method: clinical testing. Allele origin: germline. Not counted in ClinVar's aggregate classification.